The following is an entry in ClinVar:

NM_001039141.3(TRIOBP):c.4012G>A (p.Gly1338Ser)

Gene: TRIOBP (TRIO and F-actin binding protein; plus strand). Cytogenetic location: 22q13.1.
Variant type: single nucleotide variant.
Coding change: c.4012G>A on transcript NM_001039141.3 (MANE Select); coding-DNA position 4012, G replaced by A.
Protein change: p.Gly1338Ser; replaces glycine 1338 with serine.
Molecular consequence: missense variant.
Genome position (GRCh38, 1-based): chr22:37,733,362, G>A. VCF-style: chr22-37733362-G-A. GRCh37 (hg19) VCF-style: chr22-38129369-G-A.
Other names: short protein forms G1338S.
Identifiers: ClinVar variation 4719541 (VCV004719541.1).
Genomic context (GRCh38, chr22:37,733,362, plus strand): 5'-TCCGAGGCAGCGGGGGCCTTCCAGGCCCAGGACGAGGGACGGTCACAGCAGCCCAGCCAA[G>A]GCCAGAGCCAACTTCTCCGAAGACAGTCCAGCCCTGCCCCCAGCAGGCAGGTGAGCACTG-3'
Protein context (NP_001034230.1, residues 1328-1348): DEGRSQQPSQ[Gly1338Ser]QSQLLRRQSS

ClinVar aggregate classification (germline): Uncertain significance (1 of 4 stars; one submission).

Submission:

Labcorp Genetics (formerly Invitae), Labcorp
Classification: Uncertain significance. Last evaluated: 2025-05-13. Review status: criteria provided, single submitter. Criteria: Invitae Variant Classification Sherloc (09022015). Collection method: clinical testing. Allele origin: germline.
Comment: This sequence change replaces glycine, which is neutral and non-polar, with serine, which is neutral and polar, at codon 1338 of the TRIOBP protein (p.Gly1338Ser). This variant is not present in population databases (gnomAD no frequency). This variant has not been reported in the literature in individuals affected with TRIOBP-related conditions. An algorithm developed to predict the effect of missense changes on protein structure and function (PolyPhen-2) suggests that this variant is likely to be tolerated. In summary, the available evidence is currently insufficient to determine the role of this variant in disease. Therefore, it has been classified as a Variant of Uncertain Significance.